The following is an entry in ClinVar:

NM_001069.3(TUBB2A):c.1294G>C (p.Glu432Gln)

Gene: TUBB2A (tubulin beta 2A class IIa; minus strand). Cytogenetic location: 6p25.2.
Variant type: single nucleotide variant.
Coding change: c.1294G>C on transcript NM_001069.3 (MANE Select); coding-DNA position 1294, G replaced by C.
Protein change: p.Glu432Gln; replaces glutamic acid 432 with glutamine.
Molecular consequence: missense variant.
Genome position (GRCh38, 1-based): chr6:3,153,907, C>G on the plus strand (G>C on the coding strand, the complement: TUBB2A is on the minus strand). VCF-style: chr6-3153907-C-G. GRCh37 (hg19) VCF-style: chr6-3154141-C-G.
Other names: c.1039G>C, p.Glu347Gln (NM_001310315.2); short protein forms E347Q, E432Q.
Identifiers: ClinVar variation 1390679 (VCV001390679.6), dbSNP rs1345424333, ClinGen allele CA362590773.

ClinVar aggregate classification (germline): Uncertain significance (1 of 4 stars; one submission).

Allele frequency attached by ClinVar (database versions not stated): gnomAD exomes below 0.00001.

Submission:

Labcorp Genetics (formerly Invitae), Labcorp
Classification: Uncertain significance. Last evaluated: 2024-01-27. Review status: criteria provided, single submitter. Criteria: Invitae Variant Classification Sherloc (09022015). Collection method: clinical testing. Allele origin: germline.
Comment: This sequence change replaces glutamic acid, which is acidic and polar, with glutamine, which is neutral and polar, at codon 432 of the TUBB2A protein (p.Glu432Gln). This variant is present in population databases (no rsID available, gnomAD 0.003%). This variant has not been reported in the literature in individuals affected with TUBB2A-related conditions. ClinVar contains an entry for this variant (Variation ID: 1390679). Advanced modeling of protein sequence and biophysical properties (such as structural, functional, and spatial information, amino acid conservation, physicochemical variation, residue mobility, and thermodynamic stability) performed at Invitae indicates that this missense variant is not expected to disrupt TUBB2A protein function with a negative predictive value of 80%. In summary, the available evidence is currently insufficient to determine the role of this variant in disease. Therefore, it has been classified as a Variant of Uncertain Significance.